The following is an entry in ClinVar:

NM_198525.3(KIF7):c.2068G>A (p.Ala690Thr)

Gene: KIF7 (kinesin family member 7; minus strand). Cytogenetic location: 15q26.1.
Variant type: single nucleotide variant.
Coding change: c.2068G>A on transcript NM_198525.3 (MANE Select); coding-DNA position 2068, G replaced by A.
Protein change: p.Ala690Thr; replaces alanine 690 with threonine.
Molecular consequence: missense variant.
Genome position (GRCh38, 1-based): chr15:89,645,136, C>T on the plus strand (G>A on the coding strand, the complement: KIF7 is on the minus strand). VCF-style: chr15-89645136-C-T. GRCh37 (hg19) VCF-style: chr15-90188367-C-T.
Other names: short protein forms A690T.
Identifiers: ClinVar variation 1356843 (VCV001356843.8), dbSNP rs2142021759, ClinGen allele CA393763836.

ClinVar aggregate classification (germline): Uncertain significance (1 of 4 stars; one submission).

Conditions:
Acrocallosal syndrome (ACLS). Also called: HALLUX DUPLICATION, POSTAXIAL POLYDACTYLY, AND ABSENCE OF CORPUS CALLOSUM; Schinzel syndrome 1; Absence of corpus callosum with unusual facial appearance, mental deficiency, duplication of the halluces and polydactyly. Identifiers: Orphanet 36, MedGen C0796147, MONDO:0008708, OMIM 200990.

Submission:

Labcorp Genetics (formerly Invitae), Labcorp
Classification: Uncertain significance for Acrocallosal syndrome. Last evaluated: 2022-09-27. Review status: criteria provided, single submitter. Criteria: Invitae Variant Classification Sherloc (09022015). Collection method: clinical testing. Allele origin: germline.
Comment: Advanced modeling of protein sequence and biophysical properties (such as structural, functional, and spatial information, amino acid conservation, physicochemical variation, residue mobility, and thermodynamic stability) performed at Invitae indicates that this missense variant is not expected to disrupt KIF7 protein function. In summary, the available evidence is currently insufficient to determine the role of this variant in disease. Therefore, it has been classified as a Variant of Uncertain Significance. ClinVar contains an entry for this variant (Variation ID: 1356843). This sequence change replaces alanine, which is neutral and non-polar, with threonine, which is neutral and polar, at codon 690 of the KIF7 protein (p.Ala690Thr). This variant is not present in population databases (gnomAD no frequency). This variant has not been reported in the literature in individuals affected with KIF7-related conditions.